The following is an entry in ClinVar:

ClinVar aggregate classification (germline): Likely benign (1 of 4 stars; one submission).

Submission:

CeGaT Center for Human Genetics Tuebingen
Classification: Likely benign. Last evaluated: 2024-02-01. Review status: criteria provided, single submitter. Criteria: CeGaT Center For Human Genetics Tuebingen Variant Classification Criteria Version 2. Collection method: clinical testing. Allele origin: germline. Affected: yes. Observed: 1 variant allele.
Comment: BCAR1: PM2:Supporting, BP4, BP7

NM_014567.5(BCAR1):c.1017T>C (p.Phe339=)

Gene: BCAR1 (BCAR1 scaffold protein, Cas family member; minus strand). Cytogenetic location: 16q23.1.
Variant type: single nucleotide variant.
Coding change: c.1017T>C on transcript NM_014567.5 (MANE Select); coding-DNA position 1017, T replaced by C.
Protein change: p.Phe339=; no amino-acid change (phenylalanine 339 retained).
Molecular consequence: synonymous variant.
Genome position (GRCh38, 1-based): chr16:75,235,882, A>G on the plus strand (T>C on the coding strand, the complement: BCAR1 is on the minus strand). VCF-style: chr16-75235882-A-G. GRCh37 (hg19) VCF-style: chr16-75269780-A-G.
Other names: c.1155T>C, p.Phe385= (NM_001170714.3); c.1071T>C, p.Phe357= (NM_001170715.3, NM_001170716.3, NM_001170717.3); c.1017T>C, p.Phe339= (NM_001170718.3); c.1011T>C, p.Phe337= (NM_001170719.3); c.573T>C, p.Phe191= (NM_001170720.3); c.387T>C, p.Phe129= (NM_001170721.3).
Identifiers: ClinVar variation 3027276 (VCV003027276.22), dbSNP rs2507383211, ClinGen allele CA496693144.
Genomic context (GRCh38, chr16:75,235,882, plus strand): 5'-CTCGGCCGGCGGGGAGTCTGGAGGGGGCGCAGCCAGTACCAGTGGGGTGCGGGCCGGGTC[A>G]AAGGGCTTGGCCTTGGCGAAGGCGGGGGGCACATCGTAGGTCTCCTCACGCAGCAGTGGG-3'
Protein context (NP_055382.2, residues 329-349): VPPAFAKAKP[Phe339=]DPARTPLVLA